The following is an entry in ClinVar:

ClinVar aggregate classification (germline): Pathogenic/Likely pathogenic. Review status: criteria provided, multiple submitters, no conflicts (2 of 4 stars). 3 submissions from 3 submitters: Pathogenic (2); Likely pathogenic (1). Last evaluated 2026-03-04.

Conditions:
CTNNB1-related disorder. Also called: CTNNB1-related condition.
Colorectal cancer. Also called: Colorectal cancer, somatic; Malignant Colorectal Neoplasm. Identifiers: MedGen C0346629, MONDO:0005575, OMIM 114500.

Submissions (3):

GeneDx
Classification: Pathogenic. Last evaluated: 2026-03-04. Review status: criteria provided, single submitter. Criteria: GeneDx Variant Classification Process June 2021. Collection method: clinical testing. Allele origin: germline. Affected: yes.
Comment: Canonical splice site variant predicted to result in a null allele in a gene for which loss of function is a known mechanism of disease; Not observed at significant frequency in large population cohorts (gnomAD); This variant is associated with the following publications: (PMID: 33057194)

Mendelics
Classification: Pathogenic for Colorectal cancer. Last evaluated: 2022-05-04. Review status: criteria provided, single submitter. Criteria: Mendelics Assertion Criteria 2019. Collection method: clinical testing. Allele origin: germline.

Blueprint Genetics
Classification: Likely pathogenic for CTNNB1-related disorders. Last evaluated: 2021-10-13. Review status: criteria provided, single submitter. Criteria: ACMG Guidelines, 2015. Collection method: clinical testing. Allele origin: germline. Affected: yes. Observed: 1 variant allele.

NM_001904.4(CTNNB1):c.1081+1G>T

Gene: CTNNB1 (catenin beta 1; plus strand). Cytogenetic location: 3p22.1.
Variant type: single nucleotide variant.
Coding change: c.1081+1G>T on transcript NM_001904.4 (MANE Select); the canonical splice donor site of the intron after coding-DNA position 1081, G replaced by T.
Molecular consequence: splice donor variant.
Genome position (GRCh38, 1-based): chr3:41,227,353, G>T. VCF-style: chr3-41227353-G-T. GRCh37 (hg19) VCF-style: chr3-41268844-G-T.
Other names: c.1060+1G>T (NM_001330729.2); c.1081+1G>T (NM_001098209.2, NM_001098210.2).
Identifiers: ClinVar variation 1208312 (VCV001208312.6), dbSNP rs2078201673, ClinGen allele CA352231721.
Genomic context (GRCh38, chr3:41,227,353, plus strand): 5'-GCAGAGTGCTGAAGGTGCTATCTGTCTGCTCTAGTAATAAGCCGGCTATTGTAGAAGCTG[G>T]TAAGTATATGTATCTATTCTGAGTCTTGTGTATAGCATCTGCAGTTCTAATTAGATTACT-3'